The following is an entry in ClinVar:

ClinVar aggregate classification (germline): Uncertain significance (1 of 4 stars; one submission).

Submission:

Labcorp Genetics (formerly Invitae), Labcorp
Classification: Uncertain significance. Last evaluated: 2025-10-27. Review status: criteria provided, single submitter. Criteria: Invitae Variant Classification Sherloc (09022015). Collection method: clinical testing. Allele origin: germline.
Comment: This sequence change replaces proline, which is neutral and non-polar, with alanine, which is neutral and non-polar, at codon 465 of the PLG protein (p.Pro465Ala). This variant is not present in population databases (gnomAD no frequency). This variant has not been reported in the literature in individuals affected with PLG-related conditions. Invitae Evidence Modeling of protein sequence and biophysical properties (such as structural, functional, and spatial information, amino acid conservation, physicochemical variation, residue mobility, and thermodynamic stability) indicates that this missense variant is not expected to disrupt PLG protein function with a negative predictive value of 80%. In summary, the available evidence is currently insufficient to determine the role of this variant in disease. Therefore, it has been classified as a Variant of Uncertain Significance.

NM_000301.5(PLG):c.1393C>G (p.Pro465Ala)

Gene: PLG (plasminogen; plus strand). Cytogenetic location: 6q26.
Variant type: single nucleotide variant.
Coding change: c.1393C>G on transcript NM_000301.5 (MANE Select); coding-DNA position 1393, C replaced by G.
Protein change: p.Pro465Ala; replaces proline 465 with alanine.
Molecular consequence: missense variant.
Genome position (GRCh38, 1-based): chr6:160,731,187, C>G. VCF-style: chr6-160731187-C-G. GRCh37 (hg19) VCF-style: chr6-161152219-C-G.
Other names: short protein forms P465A.
Identifiers: ClinVar variation 4742679 (VCV004742679.1).
Genomic context (GRCh38, chr6:160,731,187, plus strand): 5'-AGGTGGGAGTACTGCAACCTGAAAAAATGCTCAGGAACAGAAGCGAGTGTTGTAGCACCT[C>G]CGCCTGTTGTCCTGCTTCCAGATGTAGAGACTCCTTCCGAAGAAGGTAAGAAATCTGTGG-3'
Protein context (NP_000292.1, residues 455-475): SGTEASVVAP[Pro465Ala]PVVLLPDVET